The following is an entry in ClinVar:

NM_004656.4(BAP1):c.1986T>G (p.Ile662Met)

Gene: BAP1 (BRCA1 associated deubiquitinase 1; minus strand). Cytogenetic location: 3p21.1.
Variant type: single nucleotide variant.
Coding change: c.1986T>G on transcript NM_004656.4 (MANE Select); coding-DNA position 1986, T replaced by G.
Protein change: p.Ile662Met; replaces isoleucine 662 with methionine.
Molecular consequence: missense variant.
Genome position (GRCh38, 1-based): chr3:52,402,672, A>C on the plus strand (T>G on the coding strand, the complement: BAP1 is on the minus strand). VCF-style: chr3-52402672-A-C. GRCh37 (hg19) VCF-style: chr3-52436688-A-C.
Other names: c.1932T>G, p.Ile644Met (NM_001410772.1); short protein forms I662M, I644M.
Identifiers: ClinVar variation 2100434 (VCV002100434.4), dbSNP rs2471320717, ClinGen allele CA353096392.

ClinVar aggregate classification (germline): Uncertain significance (1 of 4 stars; one submission).

Conditions:
BAP1-related tumor predisposition syndrome (TPDS1). Also called: TUMOR PREDISPOSITION SYNDROME 1; BAP1 tumor predisposition syndrome; Tumor susceptibility linked to germline BAP1 mutations; COMMON Syndrome. Identifiers: Orphanet 289539, MedGen C3280492, MONDO:0013692, OMIM 614327.

Submission:

Labcorp Genetics (formerly Invitae), Labcorp
Classification: Uncertain significance for BAP1-related tumor predisposition syndrome. Last evaluated: 2022-02-20. Review status: criteria provided, single submitter. Criteria: Invitae Variant Classification Sherloc (09022015). Collection method: clinical testing. Allele origin: germline.
Comment: This sequence change replaces isoleucine, which is neutral and non-polar, with methionine, which is neutral and non-polar, at codon 662 of the BAP1 protein (p.Ile662Met). This variant is not present in population databases (gnomAD no frequency). This variant has not been reported in the literature in individuals affected with BAP1-related conditions. Algorithms developed to predict the effect of missense changes on protein structure and function are either unavailable or do not agree on the potential impact of this missense change (SIFT: "Deleterious"; PolyPhen-2: "Probably Damaging"; Align-GVGD: "Class C0"). In summary, the available evidence is currently insufficient to determine the role of this variant in disease. Therefore, it has been classified as a Variant of Uncertain Significance.